The following is an entry in ClinVar:

ClinVar aggregate classification (germline): Conflicting classifications of pathogenicity. Review status: criteria provided, conflicting classifications (1 of 4 stars). 3 submissions from 3 submitters: Uncertain significance (2); Likely benign (1). Last evaluated 2025-09-05.

Conditions:
Autosomal recessive spastic paraplegia type 78. Identifiers: Orphanet 513436, MedGen C5567893, MONDO:0014975, OMIM 617225.
Kufor-Rakeb syndrome (KRS). Also called: PARKINSON DISEASE 9, AUTOSOMAL RECESSIVE, JUVENILE-ONSET. Identifiers: Orphanet 306674, Orphanet 314632, MedGen C1847640, MONDO:0011706, OMIM 606693.

Allele frequency attached by ClinVar (database versions not stated): gnomAD below 0.00001 and 0.00003; TOPMed 0.00001; gnomAD exomes 0.00009 and 0.00024; ExAC 0.00026.
gnomAD v4.1: 137 of 1,613,082 alleles (0.0085%); highest among the groups gnomAD compares: South Asian, 0.15%; 2 homozygotes.

Submissions (3):

Labcorp Genetics (formerly Invitae), Labcorp
Classification: Likely benign for Kufor-Rakeb syndrome; Autosomal recessive spastic paraplegia type 78. Last evaluated: 2025-09-05. Review status: criteria provided, single submitter. Criteria: Invitae Variant Classification Sherloc (09022015). Collection method: clinical testing. Allele origin: germline.

GeneDx
Classification: Uncertain significance. Last evaluated: 2024-08-06. Review status: criteria provided, single submitter. Criteria: GeneDx Variant Classification Process June 2021. Collection method: clinical testing. Allele origin: germline. Affected: yes.
Comment: In silico analysis supports that this missense variant has a deleterious effect on protein structure/function; This variant is associated with the following publications: (PMID: 32707456)

Illumina Laboratory Services, Illumina
Classification: Uncertain significance for Kufor-Rakeb syndrome. Last evaluated: 2018-01-12. Review status: criteria provided, single submitter. Criteria: ICSL Variant Classification Criteria 13 December 2019. Collection method: clinical testing. Allele origin: germline.

NM_022089.4(ATP13A2):c.1163G>A (p.Gly388Glu)

Gene: ATP13A2 (ATPase cation transporting 13A2; minus strand). Cytogenetic location: 1p36.13.
Variant type: single nucleotide variant.
Coding change: c.1163G>A on transcript NM_022089.4 (MANE Select); coding-DNA position 1163, G replaced by A.
Protein change: p.Gly388Glu; replaces glycine 388 with glutamic acid.
Molecular consequence: missense variant.
Genome position (GRCh38, 1-based): chr1:16,997,052, C>T on the plus strand (G>A on the coding strand, the complement: ATP13A2 is on the minus strand). VCF-style: chr1-16997052-C-T. GRCh37 (hg19) VCF-style: chr1-17323547-C-T.
Other names: c.1148G>A, p.Gly383Glu (NM_001141973.3, NM_001141974.3); short protein forms G388E, G383E.
Identifiers: ClinVar variation 293798 (VCV000293798.10), dbSNP rs769588580, ClinGen allele CA637350.